The following is an entry in ClinVar:

ClinVar aggregate classification (germline): Conflicting classifications of pathogenicity. Review status: criteria provided, conflicting classifications (1 of 4 stars). 13 submissions from 13 submitters: Uncertain significance (1); Benign (5); Likely benign (3). 4 of the submissions do not count toward it. Last evaluated 2026-01-31.

Conditions:
ATP7A-related disorder. Also called: ATP7A-related condition.
Ehlers-Danlos syndrome (EDS). Identifiers: Orphanet 98249, MedGen C0013720, MONDO:0020066.
Menkes kinky-hair syndrome (MNK). Also called: Menkes Disease; Classic Menkes Disease; Copper transport disease. Identifiers: Orphanet 565, MedGen C0022716, MONDO:0010651, OMIM 309400.
Cutis laxa, X-linked (OHS). Also called: Occipital horn syndrome; EDS IX. Identifiers: Orphanet 198, MedGen C0268353, MONDO:0010572, OMIM 304150.
X-linked distal spinal muscular atrophy type 3. Also called: NEURONOPATHY, DISTAL HEREDITARY MOTOR, X-LINKED; NEUROPATHY, DISTAL HEREDITARY MOTOR, X-LINKED; ATP7A-Related Distal Motor Neuropathy; SPINAL MUSCULAR ATROPHY, DISTAL, X-LINKED RECESSIVE. Identifiers: Orphanet 139557, MedGen C1845359, MONDO:0010338, OMIM 300489.
Inborn genetic diseases. Identifiers: MedGen C0950123, MeSH D030342.

Allele frequency attached by ClinVar (database versions not stated): 1000 Genomes Project 30x 0.00021; TOPMed 0.00022; 1000 Genomes Project 0.00026; ESP Exome Variant Server 0.00038; gnomAD exomes 0.00042 and 0.00070; gnomAD 0.00046 and 0.00048; ExAC 0.00068.
gnomAD v4.1: 512 of 1,205,129 alleles (0.042%); highest among the groups gnomAD compares: Non-Finnish European, 0.023%; 1 homozygote.

Submissions (13):

Labcorp Genetics (formerly Invitae), Labcorp
Classification: Benign for X-linked distal spinal muscular atrophy type 3; Cutis laxa, X-linked; Menkes kinky-hair syndrome. Last evaluated: 2026-01-31. Review status: criteria provided, single submitter. Criteria: Invitae Variant Classification Sherloc (09022015). Collection method: clinical testing. Allele origin: germline.

Mayo Clinic Laboratories, Mayo Clinic
Classification: Benign. Last evaluated: 2025-07-21. Review status: criteria provided, single submitter. Criteria: ACMG Guidelines, 2015. Collection method: clinical testing. Allele origin: germline. Observed: 5 variant alleles.
Comment: BS1, BS2

Blueprint Genetics
Classification: Likely benign. Last evaluated: 2024-09-12. Review status: criteria provided, single submitter. Criteria: ACMG Guidelines, 2015. Collection method: clinical testing. Allele origin: germline.

Mendelics
Classification: Benign for Menkes kinky-hair syndrome. Last evaluated: 2023-08-22. Review status: criteria provided, single submitter. Criteria: Mendelics Assertion Criteria 2019. Collection method: clinical testing. Allele origin: germline.

Genome Diagnostics Laboratory, The Hospital for Sick Children
Classification: Likely benign for Ehlers-Danlos syndrome. Last evaluated: 2020-11-19. Review status: criteria provided, single submitter. Criteria: ACMG Guidelines, 2015. Collection method: clinical testing. Allele origin: germline.

GeneDx
Classification: Benign. Last evaluated: 2019-08-26. Review status: criteria provided, single submitter. Criteria: GeneDx Variant Classification Process June 2021. Collection method: clinical testing. Allele origin: germline. Affected: yes.
Comment: This variant is associated with the following publications: (PMID: 33151932)

ARUP Laboratories, Molecular Genetics and Genomics, ARUP Laboratories
Classification: Likely benign. Last evaluated: 2019-02-15. Review status: criteria provided, single submitter. Criteria: ARUP Molecular Germline Variant Investigation Process. Collection method: clinical testing. Allele origin: germline.

CeGaT Center for Human Genetics Tuebingen
Classification: Uncertain significance. Last evaluated: 2018-02-01. Review status: criteria provided, single submitter. Criteria: CeGaT Center For Human Genetics Tuebingen Variant Classification Criteria Version 2. Collection method: clinical testing. Allele origin: germline. Affected: yes. Observed: 1 variant allele.

Ambry Genetics
Classification: Benign for Inborn genetic diseases. Last evaluated: 2017-12-18. Review status: criteria provided, single submitter. Criteria: Ambry Variant Classification Scheme 2023. Collection method: clinical testing. Allele origin: germline.

PreventionGenetics, part of Exact Sciences
Classification: Benign for ATP7A-related condition. Last evaluated: 2024-09-10. Review status: no assertion criteria provided. Collection method: clinical testing. Allele origin: germline. Not counted in ClinVar's aggregate classification.
Comment: This variant is classified as benign based on ACMG/AMP sequence variant interpretation guidelines (Richards et al. 2015 PMID: 25741868, with internal and published modifications).

Clinical Genetics DNA and cytogenetics Diagnostics Lab, Erasmus MC, Erasmus Medical Center
Classification: Likely benign. Review status: no assertion criteria provided. Collection method: clinical testing. Allele origin: germline. Affected: yes. Study: VKGL Data-share Consensus. Not counted in ClinVar's aggregate classification.

Diagnostic Laboratory, Department of Genetics, University Medical Center Groningen
Classification: Likely benign. Review status: no assertion criteria provided. Collection method: clinical testing. Allele origin: germline. Affected: yes. Study: VKGL Data-share Consensus. Not counted in ClinVar's aggregate classification.

Genetic Services Laboratory, University of Chicago
Classification: Likely pathogenic for Menkes disease. Last evaluated: 2013-02-08. Review status: flagged submission. Criteria: ACMG Guidelines, 2007. Collection method: clinical testing. Allele origin: germline. Affected: yes. Not counted in ClinVar's aggregate classification.
ClinVar note: Reason: Outlier claim with insufficient supporting evidence

NM_000052.7(ATP7A):c.2903A>G (p.Glu968Gly)

Gene: ATP7A (ATPase copper transporting alpha; plus strand). Cytogenetic location: Xq21.1.
Variant type: single nucleotide variant.
Coding change: c.2903A>G on transcript NM_000052.7 (MANE Select); coding-DNA position 2903, A replaced by G.
Protein change: p.Glu968Gly; replaces glutamic acid 968 with glycine.
Molecular consequence: missense variant.
Genome position (GRCh38, 1-based): chrX:78,021,066, A>G. VCF-style: chrX-78021066-A-G. GRCh37 (hg19) VCF-style: chrX-77276563-A-G.
Other names: c.2669A>G, p.Glu890Gly (NM_001282224.2); short protein forms E968G, E890G.
Identifiers: ClinVar variation 210436 (VCV000210436.76), dbSNP rs138958687, ClinGen allele CA277041.